The following is an entry in ClinVar:

ClinVar aggregate classification (germline): Uncertain significance (1 of 4 stars; one submission).

Allele frequency attached by ClinVar (database versions not stated): TOPMed below 0.00001.

Submission:

Labcorp Genetics (formerly Invitae), Labcorp
Classification: Uncertain significance. Last evaluated: 2022-10-04. Review status: criteria provided, single submitter. Criteria: Invitae Variant Classification Sherloc (09022015). Collection method: clinical testing. Allele origin: germline.
Comment: In summary, the available evidence is currently insufficient to determine the role of this variant in disease. Therefore, it has been classified as a Variant of Uncertain Significance. Advanced modeling of protein sequence and biophysical properties (such as structural, functional, and spatial information, amino acid conservation, physicochemical variation, residue mobility, and thermodynamic stability) performed at Invitae indicates that this missense variant is expected to disrupt EMC1 protein function. This variant has not been reported in the literature in individuals affected with EMC1-related conditions. This variant is not present in population databases (gnomAD no frequency). This sequence change replaces asparagine, which is neutral and polar, with aspartic acid, which is acidic and polar, at codon 739 of the EMC1 protein (p.Asn739Asp).

NM_015047.3(EMC1):c.2215A>G (p.Asn739Asp)

Genes: EMC1 (ER membrane protein complex subunit 1; minus strand), EMC1-AS1 (EMC1 antisense RNA 1; plus strand). Cytogenetic location: 1p36.13.
Variant type: single nucleotide variant.
Coding change: c.2215A>G on transcript NM_015047.3 (MANE Select); coding-DNA position 2215, A replaced by G.
Protein change: p.Asn739Asp; replaces asparagine 739 with aspartic acid.
Molecular consequence: missense variant.
Genome position (GRCh38, 1-based): chr1:19,223,557, T>C on the plus strand (A>G on the coding strand, the complement: EMC1 is on the minus strand). VCF-style: chr1-19223557-T-C. GRCh37 (hg19) VCF-style: chr1-19550051-T-C.
Other names: c.2212A>G, p.Asn738Asp (NM_001271427.2, NM_001271428.2); c.2149A>G, p.Asn717Asp (NM_001271429.2); c.2224A>G, p.Asn742Asp (NM_001375820.1); c.2221A>G, p.Asn741Asp (NM_001375821.1); short protein forms N717D, N738D, N739D, N741D, N742D.
Identifiers: ClinVar variation 1720974 (VCV001720974.5), dbSNP rs2093448466, ClinGen allele CA338755230.